The following is an entry in ClinVar:

NM_005251.3(FOXC2):c.1052C>T (p.Pro351Leu)

Gene: FOXC2 (forkhead box C2; plus strand). Cytogenetic location: 16q24.1.
Variant type: single nucleotide variant.
Coding change: c.1052C>T on transcript NM_005251.3 (MANE Select); coding-DNA position 1052, C replaced by T.
Protein change: p.Pro351Leu; replaces proline 351 with leucine.
Molecular consequence: missense variant.
Genome position (GRCh38, 1-based): chr16:86,568,387, C>T. VCF-style: chr16-86568387-C-T. GRCh37 (hg19) VCF-style: chr16-86601993-C-T.
Other names: short protein forms P351L.
Identifiers: ClinVar variation 2581854 (VCV002581854.1), dbSNP rs1249241018, ClinGen allele CA397009350.

ClinVar aggregate classification (germline): Uncertain significance (1 of 4 stars; one submission).

Allele frequency attached by ClinVar (database versions not stated): gnomAD exomes below 0.00001.

Submission:

GeneDx
Classification: Uncertain significance. Last evaluated: 2023-03-30. Review status: criteria provided, single submitter. Criteria: GeneDx Variant Classification Process June 2021. Collection method: clinical testing. Allele origin: germline. Affected: yes.
Comment: Has not been previously published as pathogenic or benign to our knowledge; Not observed at significant frequency in large population cohorts (gnomAD); In silico analysis supports that this missense variant does not alter protein structure/function